The following is an entry in ClinVar:

NM_152468.5(TMC8):c.875C>A (p.Thr292Lys)

Gene: TMC8 (transmembrane channel like 8; plus strand). Cytogenetic location: 17q25.3.
Variant type: single nucleotide variant.
Coding change: c.875C>A on transcript NM_152468.5 (MANE Select); coding-DNA position 875, C replaced by A.
Protein change: p.Thr292Lys; replaces threonine 292 with lysine.
Molecular consequence: missense variant.
Genome position (GRCh38, 1-based): chr17:78,134,452, C>A. VCF-style: chr17-78134452-C-A. GRCh37 (hg19) VCF-style: chr17-76130533-C-A.
Other names: short protein forms T292K.
Identifiers: ClinVar variation 1407179 (VCV001407179.8), dbSNP rs140623039, ClinGen allele CA401244835.
Genomic context (GRCh38, chr17:78,134,452, plus strand): 5'-AGGTGGAGCTGGAGGAGGGCCGTCGCTTCCAGCTGATGCAGCAGCAGACCCGGGCCCAGA[C>A]GGCCTGCCGCCTGCTCTCCTACCTGCGGGTCAACGTACTCAACGGGCTCCTGGTGGTTGG-3'
Protein context (NP_689681.2, residues 282-302): QLMQQQTRAQ[Thr292Lys]ACRLLSYLRV

ClinVar aggregate classification (germline): Uncertain significance (1 of 4 stars; one submission).

Conditions:
Epidermodysplasia verruciformis. Identifiers: Orphanet 302, MedGen C0014522, MONDO:0009176.

Submission:

Labcorp Genetics (formerly Invitae), Labcorp
Classification: Uncertain significance for Epidermodysplasia verruciformis. Last evaluated: 2022-06-13. Review status: criteria provided, single submitter. Criteria: Invitae Variant Classification Sherloc (09022015). Collection method: clinical testing. Allele origin: germline.
Comment: In summary, the available evidence is currently insufficient to determine the role of this variant in disease. Therefore, it has been classified as a Variant of Uncertain Significance. Algorithms developed to predict the effect of missense changes on protein structure and function output the following: SIFT: "Tolerated"; PolyPhen-2: "Benign"; Align-GVGD: "Class C0". The lysine amino acid residue is found in multiple mammalian species, which suggests that this missense change does not adversely affect protein function. This variant has not been reported in the literature in individuals affected with TMC8-related conditions. This variant is not present in population databases (gnomAD no frequency). This sequence change replaces threonine, which is neutral and polar, with lysine, which is basic and polar, at codon 292 of the TMC8 protein (p.Thr292Lys).